The following is an entry in ClinVar:

ClinVar aggregate classification (germline): Uncertain significance (1 of 4 stars; one submission).

Submission:

GeneDx
Classification: Uncertain significance. Last evaluated: 2019-09-23. Review status: criteria provided, single submitter. Criteria: GeneDx Variant Classification Process June 2021. Collection method: clinical testing. Allele origin: germline. Affected: yes.
Comment: Not observed in large population cohorts (Lek 2016); In silico analysis, which includes protein predictors and evolutionary conservation, supports that this variant does not alter protein structure/function; Has not been previously published as pathogenic or benign to our knowledge; Also known as BRCA2 c.8805A>C

NM_000059.4(BRCA2):c.8577A>C (p.Gln2859His)

Gene: BRCA2 (BRCA2 DNA repair associated; plus strand). Cytogenetic location: 13q13.1.
Variant type: single nucleotide variant.
Coding change: c.8577A>C on transcript NM_000059.4 (MANE Select); coding-DNA position 8577, A replaced by C.
Protein change: p.Gln2859His; replaces glutamine 2859 with histidine.
Molecular consequence: missense variant.
Genome position (GRCh38, 1-based): chr13:32,371,045, A>C. VCF-style: chr13-32371045-A-C. GRCh37 (hg19) VCF-style: chr13-32945182-A-C.
Other names: short protein forms Q2859H.
Identifiers: ClinVar variation 1316347 (VCV001316347.2), dbSNP rs2137600634, ClinGen allele CA387752830.
Genomic context (GRCh38, chr13:32,371,045, plus strand): 5'-CATATTTCGCAATGAAAGAGAGGAAGAAAAGGAAGCAGCAAAATATGTGGAGGCCCAACA[A>C]AAGAGACTAGAAGCCTTATTCACTAAAATTCAGGAGGAATTTGAAGAACATGAAGGTAAA-3'
Protein context (NP_000050.3, residues 2849-2869): KEAAKYVEAQ[Gln2859His]KRLEALFTKI